The following is an entry in ClinVar:

ClinVar aggregate classification (germline): Uncertain significance. Review status: criteria provided, multiple submitters, no conflicts (2 of 4 stars). 2 submissions from 2 submitters: Uncertain significance (2). Last evaluated 2025-04-07.

Conditions:
Ehlers-Danlos syndrome, kyphoscoliotic type, 2. Also called: Ehlers-Danlos syndrome with progressive kyphoscoliosis, myopathy, and hearing loss; Ehlers-Danlos syndrome, kyphoscoliotic and deafness type; FKBP14-Kyphoscoliotic Ehlers-Danlos Syndrome. Identifiers: Orphanet 300179, MedGen C3281160, MONDO:0013800, OMIM 614557.
Cardiovascular phenotype. Identifiers: MedGen CN230736.

Allele frequency attached by ClinVar (database versions not stated): TOPMed below 0.00001; ExAC 0.00001; gnomAD 0.00001; gnomAD exomes 0.00001.
gnomAD v4.1: 10 of 1,613,992 alleles (0.00062%); highest among the groups gnomAD compares: African/African-American, 0.0027%; no homozygotes.

Submissions (2):

Ambry Genetics
Classification: Uncertain significance for Cardiovascular phenotype. Last evaluated: 2025-04-07. Review status: criteria provided, single submitter. Criteria: Ambry Variant Classification Scheme 2023. Collection method: clinical testing. Allele origin: germline.
Comment: The p.D46Y variant (also known as c.136G>T), located in coding exon 1 of the FKBP14 gene, results from a G to T substitution at nucleotide position 136. The aspartic acid at codon 46 is replaced by tyrosine, an amino acid with highly dissimilar properties. This amino acid position is highly conserved in available vertebrate species. In addition, this alteration is predicted to be deleterious by in silico analysis. Since supporting evidence is limited at this time, the clinical significance of this alteration remains unclear.

Labcorp Genetics (formerly Invitae), Labcorp
Classification: Uncertain significance for Ehlers-Danlos syndrome, kyphoscoliotic type, 2. Last evaluated: 2022-04-06. Review status: criteria provided, single submitter. Criteria: Invitae Variant Classification Sherloc (09022015). Collection method: clinical testing. Allele origin: germline.
Comment: This sequence change replaces aspartic acid, which is acidic and polar, with tyrosine, which is neutral and polar, at codon 46 of the FKBP14 protein (p.Asp46Tyr). This variant is present in population databases (rs750062960, gnomAD 0.003%). This variant has not been reported in the literature in individuals affected with FKBP14-related conditions. Algorithms developed to predict the effect of missense changes on protein structure and function (SIFT, PolyPhen-2, Align-GVGD) all suggest that this variant is likely to be disruptive. Algorithms developed to predict the effect of sequence changes on RNA splicing suggest that this variant may create or strengthen a splice site. In summary, the available evidence is currently insufficient to determine the role of this variant in disease. Therefore, it has been classified as a Variant of Uncertain Significance.

NM_017946.4(FKBP14):c.136G>T (p.Asp46Tyr)

Genes: FKBP14 (FKBP prolyl isomerase 14; minus strand), FKBP14-AS1 (FKBP14 antisense RNA 1; plus strand). Cytogenetic location: 7p14.3.
Variant type: single nucleotide variant.
Coding change: c.136G>T on transcript NM_017946.4 (MANE Select); coding-DNA position 136, G replaced by T.
Protein change: p.Asp46Tyr; replaces aspartic acid 46 with tyrosine.
Molecular consequence: missense variant. On other transcripts: non-coding transcript variant (2).
Genome position (GRCh38, 1-based): chr7:30,026,373, C>A on the plus strand (G>T on the coding strand, the complement: FKBP14 is on the minus strand). VCF-style: chr7-30026373-C-A. GRCh37 (hg19) VCF-style: chr7-30065989-C-A.
Other names: short protein forms D46Y.
Identifiers: ClinVar variation 1514046 (VCV001514046.8), dbSNP rs750062960, ClinGen allele CA4203496.
Genomic context (GRCh38, chr7:30,026,373, plus strand): 5'-TGGAGTGAAATAAGGAGCCGTCCTTTTCTAAGTAGCCTTCATAGTGGACCAACATCAAAT[C>A]CCCTCCTTTGGTCTTGCGATGGCAGATGAATGGCTTCTGGAGAACTTCAATTTTCACTTC-3'
Protein context (NP_060416.1, residues 36-56): FICHRKTKGG[Asp46Tyr]LMLVHYEGYL